The following is an entry in ClinVar:

ClinVar aggregate classification (germline): Pathogenic (1 of 4 stars; one submission).

Conditions:
Mendelian susceptibility to mycobacterial diseases due to complete IL12RB1 deficiency. Also called: IL12RB1 DEFICIENCY; Immunodeficiency 30. Identifiers: Orphanet 319552, MedGen C4013949, MONDO:0013955, OMIM 614891.

Submission:

Labcorp Genetics (formerly Invitae), Labcorp
Classification: Pathogenic for Mendelian susceptibility to mycobacterial diseases due to complete IL12RB1 deficiency. Last evaluated: 2024-10-24. Review status: criteria provided, single submitter. Criteria: Invitae Variant Classification Sherloc (09022015). Collection method: clinical testing. Allele origin: germline.
Comment: This sequence change creates a premature translational stop signal (p.Arg403*) in the IL12RB1 gene. It is expected to result in an absent or disrupted protein product. Loss-of-function variants in IL12RB1 are known to be pathogenic (PMID: 9603733, 12591909). This variant is not present in population databases (gnomAD no frequency). This premature translational stop signal has been observed in individual(s) with mendelian susceptibility to mycobacterial disease (PMID: 32602053). For these reasons, this variant has been classified as Pathogenic.

Literature cited by the submitters: PubMed 9603733; PubMed 12591909; PubMed 32602053.

NM_005535.3(IL12RB1):c.1207C>T (p.Arg403Ter)

Gene: IL12RB1 (interleukin 12 receptor subunit beta 1; minus strand). Cytogenetic location: 19p13.11.
Variant type: single nucleotide variant.
Coding change: c.1207C>T on transcript NM_005535.3 (MANE Select); coding-DNA position 1207, C replaced by T.
Protein change: p.Arg403Ter; replaces arginine 403 with a stop codon.
Molecular consequence: nonsense.
Genome position (GRCh38, 1-based): chr19:18,068,509, G>A on the plus strand (C>T on the coding strand, the complement: IL12RB1 is on the minus strand). VCF-style: chr19-18068509-G-A. GRCh37 (hg19) VCF-style: chr19-18179319-G-A.
Other names: c.1207C>T, p.Arg403Ter (NM_001290023.2); c.1327C>T, p.Arg443Ter (NM_001290024.2); short protein forms R403*, R443*.
Identifiers: ClinVar variation 3613722 (VCV003613722.2).